The following is an entry in ClinVar:

NM_000455.5(STK11):c.13del (p.Asp5fs)

Gene: STK11 (serine/threonine kinase 11; plus strand). Cytogenetic location: 19p13.3.
Variant type: Deletion.
Coding change: c.13del on transcript NM_000455.5 (MANE Select); coding-DNA position 13, one base deleted (G; older notation c.13delG).
Protein change: p.Asp5fs; shifts the reading frame from aspartic acid 5.
Molecular consequence: frameshift variant. On other transcripts: non-coding transcript variant (1).
Genome position (GRCh38, 1-based): chr19:1,206,926, G deleted; the last of 2 consecutive G bases (chr19:1,206,925-1,206,926); deleting either gives the same sequence. VCF-style (leftmost placement, unchanged base first): chr19-1206924-TG-T. GRCh37 (hg19) VCF-style: chr19-1206923-TG-T.
Other names: c.13del, p.Asp5fs (NM_001407255.1); short protein forms D5fs.
Identifiers: ClinVar variation 3724478 (VCV003724478.2).
Genomic context (GRCh38, chr19:1,206,924, plus strand): 5'-CACCCGCGGACTCAGGGCTGGCGGCGGGACTCCAGGACCCTGGGTCCAGCATGGAGGTGG[TG>T]GACCCGCAGCAGCTGGGCATGTTCACGGAGGGCGAGCTGATGTCGGTGGGTATGGACACG-3'

ClinVar aggregate classification (germline): Pathogenic (1 of 4 stars; one submission).

Conditions:
Peutz-Jeghers syndrome (PJS). Also called: POLYPOSIS, HAMARTOMATOUS INTESTINAL; POLYPS-AND-SPOTS SYNDROME; Peutz-Jeghers polyposis; Periorificial lentiginosis syndrome. Identifiers: Orphanet 2869, MedGen C0031269, MeSH D010580, MONDO:0008280, OMIM 175200.

Submission:

Labcorp Genetics (formerly Invitae), Labcorp
Classification: Pathogenic for Peutz-Jeghers syndrome. Last evaluated: 2024-11-03. Review status: criteria provided, single submitter. Criteria: Invitae Variant Classification Sherloc (09022015). Collection method: clinical testing. Allele origin: germline.
Comment: This sequence change creates a premature translational stop signal (p.Asp5Thrfs*13) in the STK11 gene. It is expected to result in an absent or disrupted protein product. Loss-of-function variants in STK11 are known to be pathogenic (PMID: 15188174, 16287113). This variant is not present in population databases (gnomAD no frequency). This variant has not been reported in the literature in individuals affected with STK11-related conditions. For these reasons, this variant has been classified as Pathogenic.

Literature cited by the submitters: PubMed 15188174; PubMed 16287113.